The following is an entry in ClinVar:

ClinVar aggregate classification (germline): Uncertain significance (1 of 4 stars; one submission).

Conditions:
Idiopathic generalized epilepsy. Also called: EIG; Generalised epilepsy. Identifiers: MedGen C0270850, MONDO:0005579, OMIM 600669.
Hyperaldosteronism, familial, type IV (HALD4). Also called: FH IV; ALDOSTERONISM, PRIMARY, AND HYPERTENSION. Identifiers: Orphanet 642671, MedGen C4310756, MONDO:0014875, OMIM 617027.

Allele frequency attached by ClinVar (database versions not stated): gnomAD exomes below 0.00001; TOPMed below 0.00001; ExAC 0.00001; gnomAD 0.00001.
gnomAD v4.1: 3 of 1,606,254 alleles (0.00019%); highest among the groups gnomAD compares: Non-Finnish European, 0.00025%; no homozygotes.

Submission:

Labcorp Genetics (formerly Invitae), Labcorp
Classification: Uncertain significance for Idiopathic generalized epilepsy; Hyperaldosteronism, familial, type IV. Last evaluated: 2023-05-01. Review status: criteria provided, single submitter. Criteria: Invitae Variant Classification Sherloc (09022015). Collection method: clinical testing. Allele origin: germline.
Comment: In summary, the available evidence is currently insufficient to determine the role of this variant in disease. Therefore, it has been classified as a Variant of Uncertain Significance. Advanced modeling of protein sequence and biophysical properties (such as structural, functional, and spatial information, amino acid conservation, physicochemical variation, residue mobility, and thermodynamic stability) performed at Invitae indicates that this missense variant is not expected to disrupt CACNA1H protein function. This variant has not been reported in the literature in individuals affected with CACNA1H-related conditions. This variant is present in population databases (rs760891230, gnomAD 0.002%). This sequence change replaces isoleucine, which is neutral and non-polar, with valine, which is neutral and non-polar, at codon 1338 of the CACNA1H protein (p.Ile1338Val).

NM_021098.3(CACNA1H):c.4012A>G (p.Ile1338Val)

Gene: CACNA1H (calcium voltage-gated channel subunit alpha1 H; plus strand). Cytogenetic location: 16p13.3.
Variant type: single nucleotide variant.
Coding change: c.4012A>G on transcript NM_021098.3 (MANE Select); coding-DNA position 4012, A replaced by G.
Protein change: p.Ile1338Val; replaces isoleucine 1338 with valine.
Molecular consequence: missense variant.
Genome position (GRCh38, 1-based): chr16:1,210,625, A>G. VCF-style: chr16-1210625-A-G. GRCh37 (hg19) VCF-style: chr16-1260625-A-G.
Other names: c.4012A>G, p.Ile1338Val (NM_001005407.2); short protein forms I1338V.
Identifiers: ClinVar variation 2935713 (VCV002935713.3), dbSNP rs760891230, ClinGen allele CA7801078.